The following is an entry in ClinVar:

ClinVar aggregate classification (germline): Conflicting classifications of pathogenicity. Review status: criteria provided, conflicting classifications (1 of 4 stars). 3 submissions from 3 submitters: Uncertain significance (1); Likely benign (2). Last evaluated 2026-09-22.

Conditions:
DPAGT1-related disorder. Also called: DPAGT1-related condition.
DPAGT1-congenital disorder of glycosylation. Also called: DPAGT1-CDG; CONGENITAL DISORDER OF GLYCOSYLATION, TYPE Ij; CDG Ij. Identifiers: Orphanet 86309, MedGen C2931004, MONDO:0011964, OMIM 608093.
Congenital myasthenic syndrome 13 (CMS13). Also called: Myasthenic syndrome, congenital, 13, with tubular aggregates; Myasthenic syndrome, congenital, with tubular aggregates 2. Identifiers: Orphanet 353327, Orphanet 590, MedGen C3553645, MONDO:0013883, OMIM 614750.

Allele frequency attached by ClinVar (database versions not stated): gnomAD exomes 0.00003 and 0.00010; gnomAD 0.00006; ESP Exome Variant Server 0.00008; TOPMed 0.00008; ExAC 0.00012; 1000 Genomes Project 0.00020; 1000 Genomes Project 30x 0.00031.
gnomAD v4.1: 61 of 1,614,112 alleles (0.0038%); highest among the groups gnomAD compares: Admixed American, 0.035%; no homozygotes.

Submissions (3):

PreventionGenetics, part of Exact Sciences
Classification: Likely benign for DPAGT1-related condition. Last evaluated: 2026-09-22. Review status: criteria provided, single submitter. Criteria: ACMG Guidelines, 2015. Collection method: clinical testing. Allele origin: germline.
Comment: This variant is classified as likely benign based on ACMG/AMP sequence variant interpretation guidelines (Richards et al. 2015 PMID: 25741868, with internal and published modifications).

Labcorp Genetics (formerly Invitae), Labcorp
Classification: Likely benign for Congenital myasthenic syndrome 13; DPAGT1-congenital disorder of glycosylation. Last evaluated: 2025-09-15. Review status: criteria provided, single submitter. Criteria: Invitae Variant Classification Sherloc (09022015). Collection method: clinical testing. Allele origin: germline.

Illumina Laboratory Services, Illumina
Classification: Uncertain significance for DPAGT1-congenital disorder of glycosylation. Last evaluated: 2018-01-12. Review status: criteria provided, single submitter. Criteria: ICSL Variant Classification Criteria 13 December 2019. Collection method: clinical testing. Allele origin: germline.

NM_001382.4(DPAGT1):c.351A>G (p.Val117=)

Gene: DPAGT1 (dolichyl-phosphate N-acetylglucosaminephosphotransferase 1; minus strand). Cytogenetic location: 11q23.3.
Variant type: single nucleotide variant.
Coding change: c.351A>G on transcript NM_001382.4 (MANE Select); coding-DNA position 351, A replaced by G.
Protein change: p.Val117=; no amino-acid change (valine 117 retained).
Molecular consequence: synonymous variant.
Genome position (GRCh38, 1-based): chr11:119,100,775, T>C on the plus strand (A>G on the coding strand, the complement: DPAGT1 is on the minus strand). VCF-style: chr11-119100775-T-C. GRCh37 (hg19) VCF-style: chr11-118971485-T-C.
Identifiers: ClinVar variation 735271 (VCV000735271.13), dbSNP rs146610900, ClinGen allele CA6314648.